The following is an entry in ClinVar:

NM_000492.4(CFTR):c.2657+5G>A

Gene: CFTR (CF transmembrane conductance regulator; plus strand). Cytogenetic location: 7q31.2.
Variant type: single nucleotide variant.
Coding change: c.2657+5G>A on transcript NM_000492.4 (MANE Select); 5 bases into the intron after coding-DNA position 2657, G replaced by A.
Molecular consequence: intron variant.
Genome position (GRCh38, 1-based): chr7:117,602,868, G>A. VCF-style: chr7-117602868-G-A. GRCh37 (hg19) VCF-style: chr7-117242922-G-A.
Other names: 2789+5G>A; 2789+5G-A; 2789+5G->A.
Identifiers: ClinVar variation 38497 (VCV000038497.149), dbSNP rs80224560, ClinGen allele CA344707.

ClinVar aggregate classification (germline): Pathogenic. Review status: practice guideline (4 of 4 stars). 39 submissions from 37 submitters: Pathogenic (1). 38 of the submissions do not count toward it. Last evaluated 2004-03-03.

Conditions:
Respiratory ciliopathies including non-CF bronchiectasis.
CFTR-related disorder (CFTR-RD). Also called: CFTR-related disorders; CFTR-related condition. Identifiers: MedGen C5924204, MONDO:7770004.
Cystic fibrosis (CF). Also called: MUCOVISCIDOSIS. Identifiers: Orphanet 586, MedGen C0010674, MONDO:0009061, OMIM 219700. Disease mechanism: loss of function.
Congenital bilateral aplasia of vas deferens from CFTR mutation (CBAVD). Identifiers: Orphanet 48, MedGen C0403814, MONDO:0010178, OMIM 277180. Disease mechanism: loss of function.
Bronchiectasis with or without elevated sweat chloride 1 (BESC1). Also called: Cystic Fibrosis-Like Syndrome. Identifiers: Orphanet 60033, MedGen C2749757, MONDO:0008887, OMIM 211400.
Hereditary pancreatitis (PCTT). Also called: Hereditary chronic pancreatitis; PRSS1-Related Hereditary Pancreatitis. Identifiers: Orphanet 676, MedGen C0238339, MONDO:0008185, OMIM 167800.

Allele frequency attached by ClinVar (database versions not stated): gnomAD 0.00006 and 0.00008; ExAC 0.00008; gnomAD exomes 0.00008; TOPMed 0.00008; ESP Exome Variant Server 0.00031.
gnomAD v4.1: 126 of 1,610,282 alleles (0.0078%); highest among the groups gnomAD compares: Non-Finnish European, 0.0096%; 1 homozygote.

Submissions 1 to 13 of 39:

American College of Medical Genetics and Genomics  (ACMG)
Classification: Pathogenic for Cystic fibrosis. Last evaluated: 2004-03-03. Review status: practice guideline. Criteria: Guideline for cystic fibrosis carrier screening. Collection method: curation. Allele origin: germline. Inheritance: Autosomal recessive inheritance. Study: The ACMG recommended carrier screening panel.
ClinVar note: Converted during submission from pathogenic to Pathogenic.

CFTR2
Classification: Pathogenic for Cystic fibrosis. Last evaluated: 2017-03-17. Review status: reviewed by expert panel. Criteria: Sosnay PR et al. (Nat Genet 2013). Collection method: research. Allele origin: germline. Affected: yes. Study: CFTR2. Not counted in ClinVar's aggregate classification.

PreventionGenetics, part of Exact Sciences
Classification: Pathogenic for CFTR-related condition. Last evaluated: 2026-03-31. Review status: criteria provided, single submitter. Criteria: ACMG Guidelines, 2015. Collection method: clinical testing. Allele origin: germline. Not counted in ClinVar's aggregate classification.
Comment: The CFTR c.2657+5G>A variant is predicted to interfere with splicing. This variant (also known as 2789+5G>A in the literature) is predicted to result in aberrant splicing due to disruption of the splice donor site. Functional studies using in vitro minigene assays and qPCR of patient cells, demonstrated that this variant causes skipping of exon 16 (Masvidal et al. 2014. PubMed ID: 24129438). This variant has been previously reported to be causative for cystic fibrosis (e.g., Duguépéroux and Braekeleer. 2005. PubMed ID: 15738290;  Masvidal et al. 2014. PubMed ID: 24129438; Supplementary data, Sosnay et al. 2013. PubMed ID: 23974870). This variant is reported in 0.015% of alleles in individuals of European (Non-Finnish) descent in gnomAD. This variant is interpreted as pathogenic.

Dasa
Classification: Pathogenic. Last evaluated: 2026-03-10. Review status: criteria provided, single submitter. Criteria: DASA Assertion Criteria. Collection method: clinical testing. Allele origin: germline. Not counted in ClinVar's aggregate classification.
Comment: NM_000492.4(CFTR):c.2657+5G>A is a splice-region variant predicted to affect normal RNA splicing. Functional evidence supports a deleterious effect on the gene or gene product (PMID: 12767731; PMID: 17347447; PMID: 24129438; PMID: 25066652). This variant has been recurrently observed in individuals with related phenotype (PMID: 12767731; PMID: 17347447; PMID: 24129438; PMID: 25066652). The variant is present at low frequency in population datasets. Based on the available data, this variant is classified as pathogenic.

Labcorp Genetics (formerly Invitae), Labcorp
Classification: Pathogenic for Cystic fibrosis. Last evaluated: 2026-01-20. Review status: criteria provided, single submitter. Criteria: Invitae Variant Classification Sherloc (09022015). Collection method: clinical testing. Allele origin: germline. Not counted in ClinVar's aggregate classification.
Comment: This sequence change falls in intron 16 of the CFTR gene. It does not directly change the encoded amino acid sequence of the CFTR protein. RNA analysis indicates that this variant induces altered splicing and may result in an absent or altered protein product. This variant is present in population databases (rs80224560, gnomAD 0.01%). This variant has been observed in individual(s) with cystic fibrosis (PMID: 12767731, 17347447, 19550280, 21520337, 22020151, 23751316, 23974870, 25122143). In at least one individual the data is consistent with being in trans (on the opposite chromosome) from a pathogenic variant. This variant is also known as c.2789+5G>A. ClinVar contains an entry for this variant (Variation ID: 38497). Variants that disrupt the consensus splice site are a relatively common cause of aberrant splicing (PMID: 17576681, 9536098). Studies have shown that this variant alters mRNA splicing and is expected to lead to the loss of protein expression (PMID: 24129438, 25066652). For these reasons, this variant has been classified as Pathogenic.

Ambry Genetics
Classification: Pathogenic for Cystic fibrosis. Last evaluated: 2025-07-15. Review status: criteria provided, single submitter. Criteria: Ambry Variant Classification Scheme 2023. Collection method: clinical testing. Allele origin: germline. Not counted in ClinVar's aggregate classification.
Comment: The c.2657+5G>A intronic pathogenic mutation results from a G to A substitution 5 nucleotides after coding exon 16 in the CFTR gene. This alteration was reported in 88 individuals diagnosed with cystic fibrosis, of which 61 were compound heterozygous with p.F508del; these individuals had elevated sweat chloride levels, pulmonary symptoms, normal gastrointestinal function, and approximately 60% were pancreatic insufficient (Dugu&eacute;p&eacute;roux I et al. Eur. Respir. J., 2005 Mar;25:468-73). In another study, individuals who were homozygous for this mutation in a consanguineous family presented with mild obstructive lung disease, abnormal sweat chloride levels, and pancreatic sufficiency. In addition, mRNA levels in the nasal epithelium from these individuals were 4% of wild-type (Highsmith WE et al. Hum. Mutat., 1997;9:332-8). An in vitro minigene assay had concordant findings and showed that this mutation reduces protein expression to <10% of wild type (Sosnay PR et al. Nat. Genet., 2013 Oct;45:1160-7). Of note, this alteration is also known as 2789+5G>A in published literature. This nucleotide position is highly conserved in available vertebrate species. In silico splice site analysis predicts that this alteration will weaken the native splice donor site. Based on the supporting evidence, this alteration is interpreted as a disease-causing mutation.

Natera, Inc.
Classification: Pathogenic for CFTR-related disorders. Last evaluated: 2025-06-24. Review status: criteria provided, single submitter. Criteria: Natera Variant Classification Schema (03/2026). Collection method: clinical testing. Allele origin: germline. Not counted in ClinVar's aggregate classification.
Comment: The c.2657+5G>A variant in CFTR is an intronic variant located outside the canonical splice sites. This variant is rare in the general population with a frequency below the threshold expected for the associated phenotype(s). This variant has been observed in one or more individuals affected with the associated recessive disease, as either homozygous or compound heterozygous with a second variant (PMID: 32026723, 31523618, 23613805). Additionally, this variant has been observed to segregate in affected family members (PMID: 23613805). Computational prediction algorithms indicate this variant is likely to affect gene or protein function. Given the available evidence, this variant is classified as Pathogenic.

NHS Central & South Genomic Laboratory Hub
Classification: Pathogenic for Respiratory ciliopathies including non-CF bronchiectasis. Last evaluated: 2025-06-05. Review status: criteria provided, single submitter. Criteria: ACMG Guidelines, 2015. Collection method: clinical testing. Allele origin: germline. Affected: yes. Not counted in ClinVar's aggregate classification.

Institute of Human Genetics, University of Leipzig Medical Center
Classification: Pathogenic for Cystic fibrosis. Last evaluated: 2025-04-14. Review status: criteria provided, single submitter. Criteria: ACMG Guidelines, 2015. Collection method: clinical testing. Allele origin: maternal. Inheritance: Autosomal recessive inheritance. Affected: yes. Not counted in ClinVar's aggregate classification.
Comment: Criteria applied: PM3_VSTR,PS3,PP3

CeGaT Center for Human Genetics Tuebingen
Classification: Pathogenic. Last evaluated: 2025-02-01. Review status: criteria provided, single submitter. Criteria: CeGaT Center For Human Genetics Tuebingen Variant Classification Criteria Version 2. Collection method: clinical testing. Allele origin: germline. Affected: yes. Observed: 4 variant alleles. Not counted in ClinVar's aggregate classification.
Comment: CFTR: PM3:Very Strong, PM2, PS1:Supporting, PS3:Supporting

First Genomix Gene Laboratory, Genetic Diagnostics Department
Classification: Pathogenic for Congenital bilateral aplasia of vas deferens from CFTR mutation; Cystic fibrosis. Last evaluated: 2025-01-27. Review status: criteria provided, single submitter. Criteria: ACMG Guidelines, 2015. Collection method: clinical testing. Allele origin: germline. Inheritance: Autosomal recessive inheritance. Affected: no. Observed: 1 variant allele. Not counted in ClinVar's aggregate classification.

Blueprint Genetics
Classification: Pathogenic for CFTR-related disorders. Last evaluated: 2024-10-24. Review status: criteria provided, single submitter. Criteria: ACMG Guidelines, 2015. Collection method: clinical testing. Allele origin: germline. Affected: yes. Observed: 5 variant alleles. Not counted in ClinVar's aggregate classification.

Fulgent Genetics
Classification: Pathogenic for Hereditary pancreatitis; Bronchiectasis with or without elevated sweat chloride 1; Cystic fibrosis; Congenital bilateral aplasia of vas deferens from CFTR mutation. Last evaluated: 2024-05-24. Review status: criteria provided, single submitter. Criteria: ACMG Guidelines, 2015. Collection method: clinical testing. Allele origin: germline. Not counted in ClinVar's aggregate classification.